The following is an entry in ClinVar:

ClinVar aggregate classification (germline): Likely benign. Review status: criteria provided, multiple submitters, no conflicts (2 of 4 stars). 2 submissions from 2 submitters: Likely benign (2). Last evaluated 2023-01-17.

Conditions:
Hereditary spastic paraplegia 8 (SPG8). Also called: SPASTIC PARAPLEGIA 8, AUTOSOMAL DOMINANT. Identifiers: Orphanet 100989, MedGen C1863704, MONDO:0011339, OMIM 603563.
Ritscher-Schinzel syndrome. Also called: CRANIOCEREBELLOCARDIAC DYSPLASIA. Identifiers: Orphanet 7, MedGen C0796137, MONDO:0019078.

Allele frequency attached by ClinVar (database versions not stated): TOPMed 0.00002; ExAC 0.00003; gnomAD 0.00002; gnomAD exomes 0.00001 and 0.00003.
gnomAD v4.1: 21 of 1,603,134 alleles (0.0013%); highest among the groups gnomAD compares: Admixed American, 0.0067%; no homozygotes.

Submissions (2):

Labcorp Genetics (formerly Invitae), Labcorp
Classification: Likely benign for Ritscher-Schinzel syndrome; Hereditary spastic paraplegia 8. Last evaluated: 2023-01-17. Review status: criteria provided, single submitter. Criteria: Invitae Variant Classification Sherloc (09022015). Collection method: clinical testing. Allele origin: germline.

GeneDx
Classification: Likely benign. Last evaluated: 2018-06-15. Review status: criteria provided, single submitter. Criteria: GeneDx Variant Classification (06012015). Collection method: clinical testing. Allele origin: germline. Affected: yes.
Comment: This variant is considered likely benign or benign based on one or more of the following criteria: it is a conservative change, it occurs at a poorly conserved position in the protein, it is predicted to be benign by multiple in silico algorithms, and/or has population frequency not consistent with disease.

NM_014846.4(WASHC5):c.2025G>A (p.Lys675=)

Gene: WASHC5 (WASH complex subunit 5; minus strand). Cytogenetic location: 8q24.13.
Variant type: single nucleotide variant.
Coding change: c.2025G>A on transcript NM_014846.4 (MANE Select); coding-DNA position 2025, G replaced by A.
Protein change: p.Lys675=; no amino-acid change (lysine 675 retained).
Molecular consequence: synonymous variant.
Genome position (GRCh38, 1-based): chr8:125,055,663, C>T on the plus strand (G>A on the coding strand, the complement: WASHC5 is on the minus strand). VCF-style: chr8-125055663-C-T. GRCh37 (hg19) VCF-style: chr8-126067905-C-T.
Other names: c.1581G>A, p.Lys527= (NM_001330609.2).
Identifiers: ClinVar variation 671736 (VCV000671736.9), dbSNP rs769221945, ClinGen allele CA4873637.